The following is an entry in ClinVar:

NM_007294.4(BRCA1):c.599G>A (p.Gly200Glu)

Gene: BRCA1 (BRCA1 DNA repair associated; minus strand). Cytogenetic location: 17q21.31.
Variant type: single nucleotide variant.
Coding change: c.599G>A on transcript NM_007294.4 (MANE Select); coding-DNA position 599, G replaced by A.
Protein change: p.Gly200Glu; replaces glycine 200 with glutamic acid.
Molecular consequence: missense variant. On other transcripts: non-coding transcript variant (1).
Genome position (GRCh38, 1-based): chr17:43,095,917, C>T on the plus strand (G>A on the coding strand, the complement: BRCA1 is on the minus strand). VCF-style: chr17-43095917-C-T. GRCh37 (hg19) VCF-style: chr17-41247934-C-T.
Other names: c.596G>A, p.Gly199Glu (NM_001407615.1, NM_001408421.1, NM_001407587.1 and 41 more transcripts); c.518G>A, p.Gly173Glu (NM_001408416.1, NM_001407659.1, NM_001407660.1 and 3 more transcripts); c.599G>A, p.Gly200Glu (NM_001408418.1, NM_001408419.1, NM_001407618.1 and 59 more transcripts); c.386G>A, p.Gly129Glu (NM_001407571.1, NM_001407853.1, NM_001407894.1 and 12 more transcripts); c.590G>A, p.Gly197Glu (NM_001407646.1, NM_001407647.1, NM_001408408.1); c.521G>A, p.Gly174Glu (NM_001407653.1, NM_001407654.1, NM_001407655.1 and 9 more transcripts); c.458G>A, p.Gly153Glu (NM_001407692.1, NM_001407694.1, NM_001407695.1 and 43 more transcripts); c.455G>A, p.Gly152Glu (NM_001407740.1, NM_001407741.1, NM_001407742.1 and 26 more transcripts); and 4 more; short protein forms G200E, G153E, G129E, G174E, G199E, G173E, G197E, G152E.
Identifiers: ClinVar variation 826105 (VCV000826105.7), dbSNP rs1597882144, ClinGen allele CA10600910.

ClinVar aggregate classification (germline): Uncertain significance. Review status: criteria provided, multiple submitters, no conflicts (2 of 4 stars). 2 submissions from 2 submitters: Uncertain significance (2). Last evaluated 2023-10-03.

Conditions:
Hereditary cancer-predisposing syndrome. Also called: Neoplastic Syndromes, Hereditary; Tumor predisposition; Hereditary neoplastic syndrome; Hereditary Cancer Syndrome. Identifiers: Orphanet 140162, MedGen C0027672, MeSH D009386, MONDO:0015356.

Submissions (2):

Color Diagnostics, LLC DBA Color Health
Classification: Uncertain significance for Hereditary cancer-predisposing syndrome. Last evaluated: 2023-10-03. Review status: criteria provided, single submitter. Criteria: ACMG Guidelines, 2015. Collection method: clinical testing. Allele origin: germline.
Comment: This missense variant replaces glycine with glutamic acid at codon 200 of the BRCA1 protein. Computational prediction is inconclusive regarding the impact of this variant on protein structure and function (internally defined REVEL score threshold 0.5 < inconclusive < 0.7, PMID: 27666373). To our knowledge, functional studies have not been reported for this variant. This variant has been reported in an individual affected with breast cancer (PMID: 32803532). This variant has not been identified in the general population by the Genome Aggregation Database (gnomAD). The available evidence is insufficient to determine the role of this variant in disease conclusively. Therefore, this variant is classified as a Variant of Uncertain Significance.

Ambry Genetics
Classification: Uncertain significance for Hereditary cancer-predisposing syndrome. Last evaluated: 2019-11-22. Review status: criteria provided, single submitter. Criteria: Ambry Variant Classification Scheme 2023. Collection method: clinical testing. Allele origin: germline.
Comment: The p.G200E variant (also known as c.599G>A), located in coding exon 8 of the BRCA1 gene, results from a G to A substitution at nucleotide position 599. The glycine at codon 200 is replaced by glutamic acid, an amino acid with similar properties. This amino acid position is not well conserved in available vertebrate species. In addition, the in silico prediction for this alteration is inconclusive. Since supporting evidence is limited at this time, the clinical significance of this alteration remains unclear.

Literature cited by the submitters: PubMed 32803532 (cited by Color Diagnostics, LLC DBA Color Health).